The following is an entry in ClinVar:

ClinVar aggregate classification (germline): Uncertain significance (1 of 4 stars; one submission).

Allele frequency attached by ClinVar (database versions not stated): gnomAD exomes below 0.00001.
gnomAD v4.1: 1 of 1,614,078 alleles (0.000062%); highest among the groups gnomAD compares: Middle Eastern, 0.017%; no homozygotes.

Submission:

GeneDx
Classification: Uncertain significance. Last evaluated: 2015-03-14. Review status: criteria provided, single submitter. Criteria: GeneDx Variant Classification (06012015). Collection method: clinical testing. Allele origin: germline. Affected: yes.
Comment: The S1536T variant in the GLI3 gene has not been published as a pathogenic variant, nor has it been reported as a benign polymorphism to our knowledge. The S1536T variant was not observed in approximately 6,500 individuals of European and African American ancestry in the NHLBI Exome Sequencing Project; however, data from ethnically-matched control individuals were not available to assess for a population-specific benign variant. The S1536T variant is a conservative amino acid substitution, which is not likely to impact secondary protein structure as these residues share similar properties. This substitution occurs at a position that is conserved across species. In silico analysis predicts this variant is probably damaging to the protein structure/function. We interpret S1536T as a variant of unknown significance.

NM_000168.6(GLI3):c.4606T>A (p.Ser1536Thr)

Gene: GLI3 (GLI family zinc finger 3; minus strand). Cytogenetic location: 7p14.1.
Variant type: single nucleotide variant.
Coding change: c.4606T>A on transcript NM_000168.6 (MANE Select); coding-DNA position 4606, T replaced by A.
Protein change: p.Ser1536Thr; replaces serine 1536 with threonine.
Molecular consequence: missense variant.
Genome position (GRCh38, 1-based): chr7:41,964,467, A>T on the plus strand (T>A on the coding strand, the complement: GLI3 is on the minus strand). VCF-style: chr7-41964467-A-T. GRCh37 (hg19) VCF-style: chr7-42004065-A-T.
Other names: short protein forms S1536T.
Identifiers: ClinVar variation 265183 (VCV000265183.2), dbSNP rs75313224, ClinGen allele CA10588425.